The following is an entry in ClinVar:

ClinVar aggregate classification (germline): Uncertain significance. Review status: criteria provided, multiple submitters, no conflicts (2 of 4 stars). 2 submissions from 2 submitters: Uncertain significance (2). Last evaluated 2024-09-03.

Conditions:
Hereditary nonpolyposis colorectal neoplasms. Identifiers: MedGen C0009405, MeSH D003123.
Hereditary cancer-predisposing syndrome. Also called: Hereditary Cancer Syndrome; Hereditary neoplastic syndrome; Tumor predisposition; Neoplastic Syndromes, Hereditary. Identifiers: Orphanet 140162, MedGen C0027672, MeSH D009386, MONDO:0015356.

Submissions (2):

Ambry Genetics
Classification: Uncertain significance for Hereditary cancer-predisposing syndrome. Last evaluated: 2024-09-03. Review status: criteria provided, single submitter. Criteria: Ambry Variant Classification Scheme 2023. Collection method: clinical testing. Allele origin: germline.
Comment: The p.P82S variant (also known as c.244C>T), located in coding exon 1 of the MSH6 gene, results from a C to T substitution at nucleotide position 244. The proline at codon 82 is replaced by serine, an amino acid with similar properties. This amino acid position is well conserved in available vertebrate species. In addition, this alteration is predicted to be tolerated by in silico analysis. Based on the available evidence, the clinical significance of this variant remains unclear.

Labcorp Genetics (formerly Invitae), Labcorp
Classification: Uncertain significance for Hereditary nonpolyposis colorectal neoplasms. Last evaluated: 2023-07-07. Review status: criteria provided, single submitter. Criteria: Invitae Variant Classification Sherloc (09022015). Collection method: clinical testing. Allele origin: germline.
Comment: ClinVar contains an entry for this variant (Variation ID: 1791461). In summary, the available evidence is currently insufficient to determine the role of this variant in disease. Therefore, it has been classified as a Variant of Uncertain Significance. Advanced modeling of protein sequence and biophysical properties (such as structural, functional, and spatial information, amino acid conservation, physicochemical variation, residue mobility, and thermodynamic stability) performed at Invitae indicates that this missense variant is not expected to disrupt MSH6 protein function. This variant has not been reported in the literature in individuals affected with MSH6-related conditions. This variant is not present in population databases (gnomAD no frequency). This sequence change replaces proline, which is neutral and non-polar, with serine, which is neutral and polar, at codon 82 of the MSH6 protein (p.Pro82Ser).

NM_000179.3(MSH6):c.244C>T (p.Pro82Ser)

Gene: MSH6 (mutS homolog 6; plus strand). Cytogenetic location: 2p16.3.
Variant type: single nucleotide variant.
Coding change: c.244C>T on transcript NM_000179.3 (MANE Select); coding-DNA position 244, C replaced by T.
Protein change: p.Pro82Ser; replaces proline 82 with serine.
Molecular consequence: missense variant. On other transcripts: 5 prime UTR variant (1), intron variant (1).
Genome position (GRCh38, 1-based): chr2:47,783,477, C>T. VCF-style: chr2-47783477-C-T. GRCh37 (hg19) VCF-style: chr2-48010616-C-T.
Other names: c.-493C>T (NM_001281493.2, NM_001406811.1); c.244C>T, p.Pro82Ser (NM_001406795.1, NM_001406796.1, NM_001406798.1 and 8 more transcripts); c.-85C>T (NM_001406799.1); c.-685C>T (NM_001406807.1); c.-340C>T (NM_001406812.1); c.-751C>T (NM_001406814.1); c.-296C>T (NM_001406816.1); c.237+7C>T (NM_001281492.2); short protein forms P82S.
Identifiers: ClinVar variation 1791461 (VCV001791461.6), dbSNP rs2103944233, ClinGen allele CA346735123.